The following is an entry in ClinVar:

ClinVar aggregate classification (germline): Uncertain significance (1 of 4 stars; one submission).

Conditions:
Perlman syndrome (PRLMNS). Identifiers: Orphanet 2849, MedGen C0796113, MONDO:0009965, OMIM 267000.

Allele frequency attached by ClinVar (database versions not stated): gnomAD 0.00001; TOPMed 0.00002; ESP Exome Variant Server 0.00008.
gnomAD v4.1: 4 of 1,613,916 alleles (0.00025%); highest among the groups gnomAD compares: Non-Finnish European, 0.00034%; no homozygotes.

Submission:

Labcorp Genetics (formerly Invitae), Labcorp
Classification: Uncertain significance for Perlman syndrome. Last evaluated: 2022-02-13. Review status: criteria provided, single submitter. Criteria: Invitae Variant Classification Sherloc (09022015). Collection method: clinical testing. Allele origin: germline.
Comment: This variant is present in population databases (rs375649949, gnomAD 0.003%). Algorithms developed to predict the effect of missense changes on protein structure and function (SIFT, PolyPhen-2, Align-GVGD) all suggest that this variant is likely to be tolerated. ClinVar contains an entry for this variant (Variation ID: 649573). This variant has not been reported in the literature in individuals affected with DIS3L2-related conditions. In summary, the available evidence is currently insufficient to determine the role of this variant in disease. Therefore, it has been classified as a Variant of Uncertain Significance. This sequence change replaces serine, which is neutral and polar, with arginine, which is basic and polar, at codon 259 of the DIS3L2 protein (p.Ser259Arg).

NM_152383.5(DIS3L2):c.777C>G (p.Ser259Arg)

Gene: DIS3L2 (DIS3 like 3'-5' exoribonuclease 2; plus strand). Cytogenetic location: 2q37.1.
Variant type: single nucleotide variant.
Coding change: c.777C>G on transcript NM_152383.5 (MANE Select); coding-DNA position 777, C replaced by G.
Protein change: p.Ser259Arg; replaces serine 259 with arginine.
Molecular consequence: missense variant. On other transcripts: non-coding transcript variant (1).
Genome position (GRCh38, 1-based): chr2:232,136,546, C>G. VCF-style: chr2-232136546-C-G. GRCh37 (hg19) VCF-style: chr2-233001256-C-G.
Other names: c.777C>G, p.Ser259Arg (NM_001257281.2); short protein forms S259R.
Identifiers: ClinVar variation 649573 (VCV000649573.8), dbSNP rs375649949, ClinGen allele CA2163948.